The following is an entry in ClinVar:

NM_015338.6(ASXL1):c.1751dup (p.Val585fs)

Gene: ASXL1 (ASXL transcriptional regulator 1; plus strand). Cytogenetic location: 20q11.21.
Variant type: Duplication.
Coding change: c.1751dup on transcript NM_015338.6 (MANE Select); coding-DNA position 1751, one base duplicated (T; older notation c.1751dupT).
Protein change: p.Val585fs; shifts the reading frame from valine 585.
Molecular consequence: frameshift variant.
Genome position (GRCh38, 1-based): chr20:32,434,463, T duplicated. VCF-style (leftmost placement, unchanged base first): chr20-32434462-G-GT. GRCh37 (hg19) VCF-style: chr20-31022265-G-GT.
Other names: c.1568dup, p.Val524fs (NM_001363734.1); short protein forms V524fs, V585fs.
Identifiers: ClinVar variation 1343670 (VCV001343670.1), dbSNP rs748946310, ClinGen allele CA9808441.

ClinVar aggregate classification (germline): Likely pathogenic (1 of 4 stars; one submission).

Conditions:
Bohring-Opitz syndrome. Also called: C-LIKE SYNDROME; BOHRING SYNDROME; OPITZ TRIGONOCEPHALY-LIKE SYNDROME; ASXL1-Related Bohring-Opitz Syndrome. Identifiers: Orphanet 97297, MedGen C0796232, MONDO:0011510, OMIM 605039.

Allele frequency attached by ClinVar (database versions not stated): ExAC 0.00001.

Submission:

Women's Health and Genetics/Laboratory Corporation of America, LabCorp
Classification: Likely pathogenic for Bohring-Opitz syndrome. Last evaluated: 2022-02-05. Review status: criteria provided, single submitter. Criteria: LabCorp Variant Classification Summary - May 2015. Collection method: clinical testing. Allele origin: germline.
Comment: Variant summary: ASXL1 c.1751dupT (p.Val585GlyfsX2) results in a premature termination codon, predicted to cause a truncation of the encoded protein or absence of the protein due to nonsense mediated decay, which are commonly known mechanisms for disease. Truncations downstream of this position have been classified as pathogenic by our laboratory and have been reported with a phenotype of Bohring-Opitz syndrome in the HGMD database. The variant allele was found at a frequency of 4e-06 in 251134 control chromosomes. To our knowledge, no occurrence of c.1751dupT in individuals affected with Bohring-Opitz Syndrome and no experimental evidence demonstrating its impact on protein function have been reported. No clinical diagnostic laboratories have submitted clinical-significance assessments for this variant to ClinVar after 2014. Based on the evidence outlined above, the variant was classified as likely pathogenic.